The following is an entry in ClinVar:

ClinVar aggregate classification (germline): Uncertain significance (1 of 4 stars; one submission).

gnomAD v4.1: 2 of 1,575,342 alleles (0.00013%); highest among the groups gnomAD compares: Non-Finnish European, 0.00017%; no homozygotes.

Submission:

GeneDx
Classification: Uncertain significance. Last evaluated: 2024-03-12. Review status: criteria provided, single submitter. Criteria: GeneDx Variant Classification Process June 2021. Collection method: clinical testing. Allele origin: germline. Affected: yes.
Comment: Not observed at significant frequency in large population cohorts (gnomAD); In silico analysis supports that this missense variant has a deleterious effect on protein structure/function; Has not been previously published as pathogenic or benign to our knowledge

NM_000156.6(GAMT):c.306G>C (p.Trp102Cys)

Gene: GAMT (guanidinoacetate N-methyltransferase; minus strand). Cytogenetic location: 19p13.3.
Variant type: single nucleotide variant.
Coding change: c.306G>C on transcript NM_000156.6 (MANE Select); coding-DNA position 306, G replaced by C.
Protein change: p.Trp102Cys; replaces tryptophan 102 with cysteine.
Molecular consequence: missense variant.
Genome position (GRCh38, 1-based): chr19:1,399,814, C>G on the plus strand (G>C on the coding strand, the complement: GAMT is on the minus strand). VCF-style: chr19-1399814-C-G. GRCh37 (hg19) VCF-style: chr19-1399813-C-G.
Other names: c.306G>C, p.Trp102Cys (NM_138924.3); short protein forms W102C.
Identifiers: ClinVar variation 3370611 (VCV003370611.1).
Genomic context (GRCh38, chr19:1,399,814, plus strand): 5'-GGAGTGGGGGTCCTGGAGGGCCTGCGGGCAGAGGGGCACCTTGTGTGTCTGCCGTGGGGC[C>G]CAGTCCCGGAGCCGCTGGAAGACGCCGTCATTGCACTCGATGATCCAATGCTCATCAATG-3'
Protein context (NP_000147.1, residues 92-112): NDGVFQRLRD[Trp102Cys]APRQTHKVIP